The following is an entry in ClinVar:

ClinVar aggregate classification (germline): Uncertain significance (1 of 4 stars; one submission).

Conditions:
RASopathy. Also called: rasopathies; Noonan spectrum disorder. Identifiers: Orphanet 536391, MedGen C5555857, MONDO:0021060.

gnomAD v4.1: 1 of 1,612,770 alleles (0.000062%); highest among the groups gnomAD compares: Non-Finnish European, 0.000085%; no homozygotes.

Submission:

Labcorp Genetics (formerly Invitae), Labcorp
Classification: Uncertain significance for RASopathy. Last evaluated: 2025-11-13. Review status: criteria provided, single submitter. Criteria: Invitae Variant Classification Sherloc (09022015). Collection method: clinical testing. Allele origin: germline.
Comment: This sequence change replaces glycine, which is neutral and non-polar, with serine, which is neutral and polar, at codon 349 of the SHOC2 protein (p.Gly349Ser). This variant is not present in population databases (gnomAD no frequency). This variant has not been reported in the literature in individuals affected with SHOC2-related conditions. Invitae Evidence Modeling of protein sequence and biophysical properties (such as structural, functional, and spatial information, amino acid conservation, physicochemical variation, residue mobility, and thermodynamic stability) indicates that this missense variant is expected to disrupt SHOC2 protein function with a positive predictive value of 80%. In summary, the available evidence is currently insufficient to determine the role of this variant in disease. Therefore, it has been classified as a Variant of Uncertain Significance.

NM_007373.4(SHOC2):c.1045G>A (p.Gly349Ser)

Gene: SHOC2 (SHOC2 leucine rich repeat scaffold protein; plus strand). Cytogenetic location: 10q25.2.
Variant type: single nucleotide variant.
Coding change: c.1045G>A on transcript NM_007373.4 (MANE Select); coding-DNA position 1045, G replaced by A.
Protein change: p.Gly349Ser; replaces glycine 349 with serine.
Molecular consequence: missense variant. On other transcripts: 5 prime UTR variant (3), non-coding transcript variant (1).
Genome position (GRCh38, 1-based): chr10:111,004,678, G>A. VCF-style: chr10-111004678-G-A. GRCh37 (hg19) VCF-style: chr10-112764436-G-A.
Other names: c.907G>A, p.Gly303Ser (NM_001269039.3, NM_001441186.1); c.1045G>A, p.Gly349Ser (NM_001324336.2, NM_001324337.2, NM_001441184.1 and 2 more transcripts); c.376G>A, p.Gly126Ser (NM_001441188.1); c.-39G>A (NM_001441189.1, NM_001441190.1, NM_001441191.1); short protein forms G349S, G126S, G303S.
Identifiers: ClinVar variation 4762790 (VCV004762790.1).